The following is an entry in ClinVar:

NM_000053.4(ATP7B):c.1346C>T (p.Thr449Ile)

Gene: ATP7B (ATPase copper transporting beta; minus strand). Cytogenetic location: 13q14.3.
Variant type: single nucleotide variant.
Coding change: c.1346C>T on transcript NM_000053.4 (MANE Select); coding-DNA position 1346, C replaced by T.
Protein change: p.Thr449Ile; replaces threonine 449 with isoleucine.
Molecular consequence: missense variant. On other transcripts: intron variant (1).
Genome position (GRCh38, 1-based): chr13:51,970,689, G>A on the plus strand (C>T on the coding strand, the complement: ATP7B is on the minus strand). VCF-style: chr13-51970689-G-A. GRCh37 (hg19) VCF-style: chr13-52544825-G-A.
Other names: c.1346C>T, p.Thr449Ile (NM_001406523.1, NM_001406515.1, NM_001406516.1 and 28 more transcripts); c.1250C>T, p.Thr417Ile (NM_001406536.1, NM_001406517.1, NM_001406518.1 and 3 more transcripts); c.917C>T, p.Thr306Ile (NM_001406539.1); c.1013C>T, p.Thr338Ile (NM_001243182.2); c.1285+3246C>T (NM_001406548.1); short protein forms T306I, T338I, T417I, T449I.
Identifiers: ClinVar variation 4756308 (VCV004756308.1).

ClinVar aggregate classification (germline): Uncertain significance (1 of 4 stars; one submission).

Conditions:
Wilson disease (WND). Also called: Wilson's disease. Identifiers: Orphanet 905, MedGen C0019202, MONDO:0010200, OMIM 277900. Disease mechanism: loss of function.

Submission:

Color Diagnostics, LLC DBA Color Health
Classification: Uncertain significance for Wilson disease. Last evaluated: 2025-08-14. Review status: criteria provided, single submitter. Criteria: ACMG Guidelines, 2015. Collection method: clinical testing. Allele origin: germline.
Comment: This missense variant replaces threonine with isoleucine at codon 449 of the ATP7B protein. Computational prediction suggests that this variant may not impact protein structure and function. To our knowledge, functional studies have not been reported for this variant. This variant has not been reported in individuals affected with ATP7B-related disorders in the literature. This variant has not been identified in the general population by the Genome Aggregation Database (gnomAD). The available evidence is insufficient to determine the role of this variant in disease conclusively. Therefore, this variant is classified as a Variant of Uncertain Significance.